The following is an entry in ClinVar:

NM_207037.2(TCF12):c.1806del (p.Arg602fs)

Gene: TCF12 (transcription factor 12; plus strand). Cytogenetic location: 15q21.3.
Variant type: Deletion.
Coding change: c.1806del on transcript NM_207037.2 (MANE Select); coding-DNA position 1806, one base deleted (G; older notation c.1806delG).
Protein change: p.Arg602fs; shifts the reading frame from arginine 602.
Molecular consequence: frameshift variant.
Genome position (GRCh38, 1-based): chr15:57,273,090, G deleted; the last of 2 consecutive G bases (chr15:57,273,089-57,273,090); deleting either gives the same sequence. VCF-style (leftmost placement, unchanged base first): chr15-57273088-AG-A. GRCh37 (hg19) VCF-style: chr15-57565286-AG-A.
Other names: c.1296del, p.Arg432fs (NM_001306219.3); c.1026del, p.Arg342fs (NM_001306220.3); c.1806del, p.Arg602fs (NM_001322151.2, NM_001322159.3, NM_001322162.2 and 1 more transcripts); c.1803del, p.Arg601fs (NM_001322152.2, NM_001322161.2); c.1149del, p.Arg383fs (NM_001322154.2); c.1632del, p.Arg544fs (NM_001322156.2); c.1734del, p.Arg578fs (NM_001322157.3, NM_001322165.2, NM_003205.4 and 1 more transcripts); c.1560del, p.Arg520fs (NM_001322158.2); and 2 more; short protein forms R408fs, R432fs, R520fs, R383fs, R578fs, R590fs, R342fs, R544fs.
Identifiers: ClinVar variation 3805029 (VCV003805029.1).

ClinVar aggregate classification (germline): Pathogenic (1 of 4 stars; one submission).

Conditions:
Inborn genetic diseases. Identifiers: MedGen C0950123, MeSH D030342.

Submission:

Ambry Genetics
Classification: Pathogenic for Inborn genetic diseases. Last evaluated: 2024-12-13. Review status: criteria provided, single submitter. Criteria: Ambry Variant Classification Scheme 2023. Collection method: clinical testing. Allele origin: germline.
Comment: The c.1806delG (p.R602Sfs*31) alteration, located in exon 19 (coding exon 18) of the TCF12 gene, consists of a deletion of one nucleotide at position 1806, causing a translational frameshift with a predicted alternate stop codon after 31 amino acids. This alteration is expected to result in loss of function by premature protein truncation or nonsense-mediated mRNA decay. This variant was not reported in population-based cohorts in the Genome Aggregation Database (gnomAD). This variant has been reported in an individual with craniosynostosis (Sharma, 2013). Based on the available evidence, this alteration is classified as pathogenic.

Literature cited by the submitters: PubMed 23354436.